The following is an entry in ClinVar:

ClinVar aggregate classification (germline): Uncertain significance (1 of 4 stars; one submission).

Allele frequency attached by ClinVar (database versions not stated): gnomAD 0.00001.
gnomAD v4.1: 18 of 1,572,944 alleles (0.0011%); highest among the groups gnomAD compares: Middle Eastern, 0.035%; 1 homozygote.

Submission:

Labcorp Genetics (formerly Invitae), Labcorp
Classification: Uncertain significance. Last evaluated: 2024-09-10. Review status: criteria provided, single submitter. Criteria: Invitae Variant Classification Sherloc (09022015). Collection method: clinical testing. Allele origin: germline.
Comment: This sequence change replaces glycine, which is neutral and non-polar, with arginine, which is basic and polar, at codon 237 of the TCF3 protein (p.Gly237Arg). The frequency data for this variant in the population databases is considered unreliable, as metrics indicate poor data quality at this position in the gnomAD database. This variant has not been reported in the literature in individuals affected with TCF3-related conditions. ClinVar contains an entry for this variant (Variation ID: 1948508). Invitae Evidence Modeling of protein sequence and biophysical properties (such as structural, functional, and spatial information, amino acid conservation, physicochemical variation, residue mobility, and thermodynamic stability) indicates that this missense variant is not expected to disrupt TCF3 protein function with a negative predictive value of 80%. In summary, the available evidence is currently insufficient to determine the role of this variant in disease. Therefore, it has been classified as a Variant of Uncertain Significance.

NM_003200.5(TCF3):c.709G>A (p.Gly237Arg)

Gene: TCF3 (transcription factor 3; minus strand). Cytogenetic location: 19p13.3.
Variant type: single nucleotide variant.
Coding change: c.709G>A on transcript NM_003200.5 (MANE Select); coding-DNA position 709, G replaced by A.
Protein change: p.Gly237Arg; replaces glycine 237 with arginine.
Molecular consequence: missense variant.
Genome position (GRCh38, 1-based): chr19:1,622,167, C>T on the plus strand (G>A on the coding strand, the complement: TCF3 is on the minus strand). VCF-style: chr19-1622167-C-T. GRCh37 (hg19) VCF-style: chr19-1622166-C-T.
Other names: c.709G>A, p.Gly237Arg (NM_001136139.4, NM_001351778.2, NM_001351779.2); short protein forms G237R.
Identifiers: ClinVar variation 1948508 (VCV001948508.5), dbSNP rs916613545, ClinGen allele CA304103619.
Genomic context (GRCh38, chr19:1,622,167, plus strand): 5'-CCACCGGGCCGCTACCGGGCGGGAGGGGCAGCGGGGATGAGCCCCCACCCAGCATGGGCC[C>T]GAAGCCCGCCTGGCCCGGGGGACTCCAGAGCTCGGCTGAGGGGTGCAGGCTGCCATCTGT-3'
Protein context (NP_003191.1, residues 227-247): LWSPPGQAGF[Gly237Arg]PMLGGGSSPL